The following is an entry in ClinVar:

ClinVar aggregate classification (germline): Uncertain significance (1 of 4 stars; one submission).

Submission:

Labcorp Genetics (formerly Invitae), Labcorp
Classification: Uncertain significance. Last evaluated: 2023-02-20. Review status: criteria provided, single submitter. Criteria: Invitae Variant Classification Sherloc (09022015). Collection method: clinical testing. Allele origin: germline.
Comment: In summary, the available evidence is currently insufficient to determine the role of this variant in disease. Therefore, it has been classified as a Variant of Uncertain Significance. Advanced modeling of protein sequence and biophysical properties (such as structural, functional, and spatial information, amino acid conservation, physicochemical variation, residue mobility, and thermodynamic stability) performed at Invitae indicates that this missense variant is not expected to disrupt KIF11 protein function. This variant has not been reported in the literature in individuals affected with KIF11-related conditions. This variant is not present in population databases (gnomAD no frequency). This sequence change replaces proline, which is neutral and non-polar, with leucine, which is neutral and non-polar, at codon 922 of the KIF11 protein (p.Pro922Leu).

NM_004523.4(KIF11):c.2765C>T (p.Pro922Leu)

Gene: KIF11 (kinesin family member 11; plus strand). Cytogenetic location: 10q23.33.
Variant type: single nucleotide variant.
Coding change: c.2765C>T on transcript NM_004523.4 (MANE Select); coding-DNA position 2765, C replaced by T.
Protein change: p.Pro922Leu; replaces proline 922 with leucine.
Molecular consequence: missense variant.
Genome position (GRCh38, 1-based): chr10:92,648,429, C>T. VCF-style: chr10-92648429-C-T. GRCh37 (hg19) VCF-style: chr10-94408186-C-T.
Other names: short protein forms P922L.
Identifiers: ClinVar variation 2835771 (VCV002835771.3), dbSNP rs1226485358, ClinGen allele CA377805842.